The following is an entry in ClinVar:

NM_130384.3(ATRIP):c.673C>T (p.Pro225Ser)

Genes: ATRIP (ATR interacting protein; plus strand), ATRIP-TREX1 (ATRIP-TREX1 readthrough; plus strand). Cytogenetic location: 3p21.31.
Variant type: single nucleotide variant.
Coding change: c.673C>T on transcript NM_130384.3 (MANE Select); coding-DNA position 673, C replaced by T.
Protein change: p.Pro225Ser; replaces proline 225 with serine.
Molecular consequence: missense variant. On other transcripts: non-coding transcript variant (1).
Genome position (GRCh38, 1-based): chr3:48,457,260, C>T. VCF-style: chr3-48457260-C-T. GRCh37 (hg19) VCF-style: chr3-48498660-C-T.
Other names: c.292C>T, p.Pro98Ser (NM_001271022.2); c.394C>T, p.Pro132Ser (NM_001271023.2); c.673C>T, p.Pro225Ser (NM_032166.4); short protein forms P225S, P132S, P98S.
Identifiers: ClinVar variation 4182763 (VCV004182763.1).

ClinVar aggregate classification (germline): Uncertain significance (1 of 4 stars; one submission).

gnomAD v4.1: 2 of 1,564,996 alleles (0.00013%); highest among the groups gnomAD compares: South Asian, 0.0012%; no homozygotes.

Submission:

Ambry Genetics
Classification: Uncertain significance. Last evaluated: 2025-09-04. Review status: criteria provided, single submitter. Criteria: Ambry Variant Classification Scheme 2023. Collection method: clinical testing. Allele origin: germline.
Comment: The p.P225S variant (also known as c.673C>T), located in coding exon 5 of the ATRIP gene, results from a C to T substitution at nucleotide position 673. The proline at codon 225 is replaced by serine, an amino acid with similar properties. This amino acid position is conserved. In addition, the in silico prediction for this alteration is inconclusive. Based on the available evidence, the clinical significance of this variant remains unclear.